The following is an entry in ClinVar:

NM_001103.4(ACTN2):c.1187T>C (p.Leu396Pro)

Gene: ACTN2 (actinin alpha 2; plus strand). Cytogenetic location: 1q43.
Variant type: single nucleotide variant.
Coding change: c.1187T>C on transcript NM_001103.4 (MANE Select); coding-DNA position 1187, T replaced by C.
Protein change: p.Leu396Pro; replaces leucine 396 with proline.
Molecular consequence: missense variant. On other transcripts: non-coding transcript variant (1).
Genome position (GRCh38, 1-based): chr1:236,742,975, T>C. VCF-style: chr1-236742975-T-C. GRCh37 (hg19) VCF-style: chr1-236906275-T-C.
Other names: c.1187T>C, p.Leu396Pro (NM_001278343.2); short protein forms L396P.
Identifiers: ClinVar variation 3754684 (VCV003754684.2).

ClinVar aggregate classification (germline): Uncertain significance (1 of 4 stars; one submission).

Conditions:
Dilated cardiomyopathy 1AA (CMD1AA). Also called: CARDIOMYOPATHY, DILATED, 1AA, WITH OR WITHOUT LEFT VENTRICULAR NONCOMPACTION; CARDIOMYOPATHY, FAMILIAL HYPERTROPHIC, 23, WITH OR WITHOUT LEFT VENTRICULAR NONCOMPACTION; Cardiomyopathy, dilated, 1AA, with or without LVNC. Identifiers: Orphanet 154, MedGen C2677338, MONDO:0012808, OMIM 612158.
Primary familial hypertrophic cardiomyopathy (HCM). Identifiers: Orphanet 99739, MedGen C0949658, MeSH D024741, MONDO:0024573. Inheritance: Various modes of inheritance.

Submission:

Labcorp Genetics (formerly Invitae), Labcorp
Classification: Uncertain significance for Primary familial hypertrophic cardiomyopathy; Dilated cardiomyopathy 1AA. Last evaluated: 2024-02-15. Review status: criteria provided, single submitter. Criteria: Invitae Variant Classification Sherloc (09022015). Collection method: clinical testing. Allele origin: germline.
Comment: This sequence change replaces leucine, which is neutral and non-polar, with proline, which is neutral and non-polar, at codon 396 of the ACTN2 protein (p.Leu396Pro). This variant is not present in population databases (gnomAD no frequency). This variant has not been reported in the literature in individuals affected with ACTN2-related conditions. Advanced modeling of protein sequence and biophysical properties (such as structural, functional, and spatial information, amino acid conservation, physicochemical variation, residue mobility, and thermodynamic stability) performed at Invitae indicates that this missense variant is expected to disrupt ACTN2 protein function with a positive predictive value of 80%. In summary, the available evidence is currently insufficient to determine the role of this variant in disease. Therefore, it has been classified as a Variant of Uncertain Significance.